The following is an entry in ClinVar:

ClinVar aggregate classification (germline): Uncertain significance (1 of 4 stars; one submission).

Submission:

Ambry Genetics
Classification: Uncertain significance. Last evaluated: 2025-02-16. Review status: criteria provided, single submitter. Criteria: Ambry Variant Classification Scheme 2023. Collection method: clinical testing. Allele origin: germline.
Comment: The p.F164C variant (also known as c.491T>G), located in coding exon 3 of the ATRIP gene, results from a T to G substitution at nucleotide position 491. The phenylalanine at codon 164 is replaced by cysteine, an amino acid with highly dissimilar properties. This amino acid position is conserved. In addition, the in silico prediction for this alteration is inconclusive. Based on the available evidence, the clinical significance of this variant remains unclear.

NM_130384.3(ATRIP):c.491T>G (p.Phe164Cys)

Genes: ATRIP (ATR interacting protein; plus strand), ATRIP-TREX1 (ATRIP-TREX1 readthrough; plus strand). Cytogenetic location: 3p21.31.
Variant type: single nucleotide variant.
Coding change: c.491T>G on transcript NM_130384.3 (MANE Select); coding-DNA position 491, T replaced by G.
Protein change: p.Phe164Cys; replaces phenylalanine 164 with cysteine.
Molecular consequence: missense variant. On other transcripts: non-coding transcript variant (1).
Genome position (GRCh38, 1-based): chr3:48,451,838, T>G. VCF-style: chr3-48451838-T-G. GRCh37 (hg19) VCF-style: chr3-48493244-T-G.
Other names: c.110T>G, p.Phe37Cys (NM_001271022.2); c.212T>G, p.Phe71Cys (NM_001271023.2); c.491T>G, p.Phe164Cys (NM_032166.4); short protein forms F164C, F37C, F71C.
Identifiers: ClinVar variation 3810821 (VCV003810821.1).